The following is an entry in ClinVar:

ClinVar aggregate classification (germline): Uncertain significance. Review status: criteria provided, multiple submitters, no conflicts (2 of 4 stars). 4 submissions from 4 submitters: Uncertain significance (4). Last evaluated 2024-04-02.

Conditions:
Cornelia de Lange syndrome 1 (CDLS1). Also called: TYPUS DEGENERATIVUS AMSTELODAMENSIS; NIPBL-Related Cornelia de Lange Syndrome; Brachmann de Lange syndrome. Identifiers: Orphanet 199, MedGen C4551851, MONDO:0007387, OMIM 122470.

Allele frequency attached by ClinVar (database versions not stated): gnomAD exomes below 0.00001.
gnomAD v4.1: 1 of 1,611,002 alleles (0.000062%); highest among the groups gnomAD compares: Non-Finnish European, 0.000085%; no homozygotes.

Submissions (4):

Labcorp Genetics (formerly Invitae), Labcorp
Classification: Uncertain significance for Cornelia de Lange syndrome 1. Last evaluated: 2024-04-02. Review status: criteria provided, single submitter. Criteria: Invitae Variant Classification Sherloc (09022015). Collection method: clinical testing. Allele origin: germline.
Comment: This sequence change replaces serine, which is neutral and polar, with arginine, which is basic and polar, at codon 1477 of the NIPBL protein (p.Ser1477Arg). This variant is not present in population databases (gnomAD no frequency). This variant has not been reported in the literature in individuals affected with NIPBL-related conditions. ClinVar contains an entry for this variant (Variation ID: 500373). Advanced modeling of protein sequence and biophysical properties (such as structural, functional, and spatial information, amino acid conservation, physicochemical variation, residue mobility, and thermodynamic stability) performed at Invitae indicates that this missense variant is expected to disrupt NIPBL protein function with a positive predictive value of 80%. In summary, the available evidence is currently insufficient to determine the role of this variant in disease. Therefore, it has been classified as a Variant of Uncertain Significance.

Genome-Nilou Lab
Classification: Uncertain significance for Cornelia de Lange syndrome 1. Last evaluated: 2021-07-15. Review status: criteria provided, single submitter. Criteria: ACMG Guidelines, 2015. Collection method: clinical testing. Allele origin: germline. Affected: no.

Fulgent Genetics
Classification: Uncertain significance for Cornelia de Lange syndrome 1. Last evaluated: 2018-10-31. Review status: criteria provided, single submitter. Criteria: ACMG Guidelines, 2015. Collection method: clinical testing. Allele origin: unknown.

Eurofins Ntd Llc (ga)
Classification: Uncertain significance. Last evaluated: 2017-02-20. Review status: criteria provided, single submitter. Criteria: EGL Classification Definitions 2015. Collection method: clinical testing. Allele origin: germline. Observed: 1 variant allele, 1 heterozygote.

NM_133433.4(NIPBL):c.4429A>C (p.Ser1477Arg)

Gene: NIPBL (NIPBL cohesin loading factor; plus strand). Cytogenetic location: 5p13.2.
Variant type: single nucleotide variant.
Coding change: c.4429A>C on transcript NM_133433.4 (MANE Select); coding-DNA position 4429, A replaced by C.
Protein change: p.Ser1477Arg; replaces serine 1477 with arginine.
Molecular consequence: missense variant.
Genome position (GRCh38, 1-based): chr5:37,010,094, A>C. VCF-style: chr5-37010094-A-C. GRCh37 (hg19) VCF-style: chr5-37010196-A-C.
Other names: c.4429A>C, p.Ser1477Arg (NM_015384.5); short protein forms S1477R.
Identifiers: ClinVar variation 500373 (VCV000500373.10), dbSNP rs1554022448, ClinGen allele CA359527624.